The following is an entry in ClinVar:

NM_002222.5(ITPR1):c.*1533G>A

Gene: ITPR1 (inositol 1,4,5-trisphosphate receptor type 1; plus strand). Cytogenetic location: 3p26.1.
Variant type: single nucleotide variant.
Coding change: c.*1533G>A on transcript NM_002222.5; 1533 bases downstream of the stop codon, G replaced by A.
Genome position (GRCh38, 1-based): chr3:4,847,758, G>A. VCF-style: chr3-4847758-G-A. GRCh37 (hg19) VCF-style: chr3-4889442-G-A.
Identifiers: ClinVar variation 345930 (VCV000345930.7), dbSNP rs377290142, ClinGen allele CA10616842.

ClinVar aggregate classification (germline): Benign (1 of 4 stars; one submission).

Conditions:
Autosomal dominant cerebellar ataxia. Also called: Spinocerebellar Ataxia, Dominant. Identifiers: Orphanet 99, MedGen C4087347, MONDO:0020380.

Allele frequency attached by ClinVar (database versions not stated): gnomAD 0.00044 and 0.00060; TOPMed 0.00059; 1000 Genomes Project 30x 0.00265; 1000 Genomes Project 0.00280.

Submission:

Illumina Laboratory Services, Illumina
Classification: Benign for Spinocerebellar Ataxia, Dominant. Last evaluated: 2018-01-12. Review status: criteria provided, single submitter. Criteria: ICSL Variant Classification Criteria 13 December 2019. Collection method: clinical testing. Allele origin: germline.
Comment: This variant was observed in the ICSL laboratory as part of a predisposition screen in an ostensibly healthy population. It had not been previously curated by ICSL or reported in the Human Gene Mutation Database (HGMD: prior to June 1st, 2018), and was therefore a candidate for classification through an automated scoring system. Utilizing variant allele frequency, disease prevalence and penetrance estimates, and inheritance mode, an automated score was calculated to assess if this variant is too frequent to cause the disease. Based on the score and internal cut-off values, a variant classified as benign is not then subjected to further curation. The score for this variant resulted in a classification of benign for this disease.